The following is an entry in ClinVar:

ClinVar aggregate classification (germline): Likely benign. Review status: criteria provided, multiple submitters, no conflicts (2 of 4 stars). 3 submissions from 3 submitters: Likely benign (3). Last evaluated 2026-07-01.

Allele frequency attached by ClinVar (database versions not stated): 1000 Genomes Project 30x 0.00016; 1000 Genomes Project 0.00020; gnomAD 0.00123 and 0.00137; TOPMed 0.00149; ExAC 0.00152; gnomAD exomes 0.00159 and 0.00187; ESP Exome Variant Server 0.00177.
gnomAD v4.1: 2,937 of 1,613,638 alleles (0.18%); highest among the groups gnomAD compares: Non-Finnish European, 0.21%; 7 homozygotes.

Submissions (3):

CeGaT Center for Human Genetics Tuebingen
Classification: Likely benign. Last evaluated: 2026-07-01. Review status: criteria provided, single submitter. Criteria: CeGaT Center For Human Genetics Tuebingen Variant Classification Criteria Version 2. Collection method: clinical testing. Allele origin: germline. Affected: yes. Observed: 7 variant alleles.
Comment: FBXO11: BP4, BS1

Labcorp Genetics (formerly Invitae), Labcorp
Classification: Likely benign. Last evaluated: 2026-01-15. Review status: criteria provided, single submitter. Criteria: Invitae Variant Classification Sherloc (09022015). Collection method: clinical testing. Allele origin: germline.

Blueprint Genetics
Classification: Likely benign. Last evaluated: 2024-11-15. Review status: criteria provided, single submitter. Criteria: ACMG Guidelines, 2015. Collection method: clinical testing. Allele origin: germline.

NM_001190274.2(FBXO11):c.1347T>C (p.Asn449=)

Gene: FBXO11 (F-box protein 11; minus strand). Cytogenetic location: 2p16.3.
Variant type: single nucleotide variant.
Coding change: c.1347T>C on transcript NM_001190274.2 (MANE Select); coding-DNA position 1347, T replaced by C.
Protein change: p.Asn449=; no amino-acid change (asparagine 449 retained).
Molecular consequence: synonymous variant.
Genome position (GRCh38, 1-based): chr2:47,832,400, A>G on the plus strand (T>C on the coding strand, the complement: FBXO11 is on the minus strand). VCF-style: chr2-47832400-A-G. GRCh37 (hg19) VCF-style: chr2-48059539-A-G.
Other names: c.1095T>C, p.Asn365= (NM_001374325.1, NM_025133.4).
Identifiers: ClinVar variation 725448 (VCV000725448.35), dbSNP rs141756242, ClinGen allele CA1649863.